The following is an entry in ClinVar:

NM_014714.4(IFT140):c.1913_1914del (p.Phe638fs)

Gene: IFT140 (intraflagellar transport 140; minus strand). Cytogenetic location: 16p13.3.
Variant type: Deletion.
Coding change: c.1913_1914del on transcript NM_014714.4 (MANE Select); coding-DNA positions 1913 to 1914, 2 bases deleted (TT; older notation c.1913_1914delTT).
Protein change: p.Phe638fs; shifts the reading frame from phenylalanine 638.
Molecular consequence: frameshift variant.
Genome position (GRCh38, 1-based): chr16:1,564,150-1,564,151, AA deleted on the plus strand (TT on the coding strand, the reverse complement: IFT140 is on the minus strand); deleting any 2 consecutive bases within chr16:1,564,150-1,564,152 gives the same sequence; the c. name uses the placement nearest the transcript's 3' end. VCF-style (leftmost placement, unchanged base first): chr16-1564149-CAA-C. GRCh37 (hg19) VCF-style: chr16-1614150-CAA-C.
Other names: short protein forms F638fs.
Identifiers: ClinVar variation 3345774 (VCV003345774.1).
Genomic context (GRCh38, chr16:1,564,149, plus strand): 5'-GGGGCTCACTCTGGTCCCAGAAGTGGTTCACGGGAACATAATTTTTCAGTCCCTCATCCA[CAA>C]AGAGGTGGCTCCTAAAAGACAAAGGAAGACCCGTTTCAACCCCAGGGCGGGCACTCCTGC-3'

ClinVar aggregate classification (germline): Likely pathogenic (0 of 4 stars; one submission).

Conditions:
IFT140-related disorder. Also called: IFT140-related condition.

Submission:

PreventionGenetics, part of Exact Sciences
Classification: Likely pathogenic for IFT140-related condition. Last evaluated: 2024-06-28. Review status: no assertion criteria provided. Collection method: clinical testing. Allele origin: germline.
Comment: The IFT140 c.1913_1914delTT variant is predicted to result in a frameshift and premature protein termination (p.Phe638Cysfs*3). To our knowledge, this variant has not been reported in the literature or in a large population database, indicating this variant is rare. Frameshift variants in IFT140 are expected to be pathogenic. This variant is interpreted as likely pathogenic.